The following is an entry in ClinVar:

NM_004260.4(RECQL4):c.2057A>C (p.Gln686Pro)

Gene: RECQL4 (RecQ like helicase 4; minus strand). Cytogenetic location: 8q24.3.
Variant type: single nucleotide variant.
Coding change: c.2057A>C on transcript NM_004260.4 (MANE Select); coding-DNA position 2057, A replaced by C.
Protein change: p.Gln686Pro; replaces glutamine 686 with proline.
Molecular consequence: missense variant. On other transcripts: non-coding transcript variant (3).
Genome position (GRCh38, 1-based): chr8:144,513,929, T>G on the plus strand (A>C on the coding strand, the complement: RECQL4 is on the minus strand). VCF-style: chr8-144513929-T-G. GRCh37 (hg19) VCF-style: chr8-145739313-T-G.
Other names: c.1961A>C, p.Gln654Pro (NM_001413017.1, NM_001413020.1); c.2057A>C, p.Gln686Pro (NM_001413018.1, NM_001413019.1, NM_001413036.1); c.986A>C, p.Gln329Pro (NM_001413021.1, NM_001413022.1, NM_001413023.1 and 6 more transcripts); c.1928A>C, p.Gln643Pro (NM_001413025.1); c.920A>C, p.Gln307Pro (NM_001413027.1, NM_001413030.1, NM_001413032.1 and 1 more transcripts); c.1706A>C, p.Gln569Pro (NM_001413029.1); c.788A>C, p.Gln263Pro (NM_001413031.1); c.1925A>C, p.Gln642Pro (NM_001413033.1); and 5 more; short protein forms Q307P, Q263P, Q319P, Q654P, Q197P, Q329P, Q569P, Q676P.
Identifiers: ClinVar variation 2846122 (VCV002846122.4), dbSNP rs2538030649, ClinGen allele CA372680220.

ClinVar aggregate classification (germline): Uncertain significance. Review status: criteria provided, multiple submitters, no conflicts (2 of 4 stars). 2 submissions from 2 submitters: Uncertain significance (2). Last evaluated 2025-10-11.

Conditions:
Baller-Gerold syndrome (BGS). Also called: CRANIOSYNOSTOSIS WITH RADIAL DEFECTS. Identifiers: Orphanet 1225, MedGen C0265308, MONDO:0009039, OMIM 218600.
Inborn genetic diseases. Identifiers: MedGen C0950123, MeSH D030342.

Submissions (2):

Ambry Genetics
Classification: Uncertain significance for Inborn genetic diseases. Last evaluated: 2025-10-11. Review status: criteria provided, single submitter. Criteria: Ambry Variant Classification Scheme 2023. Collection method: clinical testing. Allele origin: germline.
Comment: The p.Q686P variant (also known as c.2057A>C), located in coding exon 12 of the RECQL4 gene, results from an A to C substitution at nucleotide position 2057. The glutamine at codon 686 is replaced by proline, an amino acid with similar properties. This amino acid position is conserved. In addition, this alteration is predicted to be deleterious by in silico analysis. Based on the available evidence, the clinical significance of this variant remains unclear.

Labcorp Genetics (formerly Invitae), Labcorp
Classification: Uncertain significance for Baller-Gerold syndrome. Last evaluated: 2023-03-16. Review status: criteria provided, single submitter. Criteria: Invitae Variant Classification Sherloc (09022015). Collection method: clinical testing. Allele origin: germline.
Comment: This sequence change replaces glutamine, which is neutral and polar, with proline, which is neutral and non-polar, at codon 686 of the RECQL4 protein (p.Gln686Pro). This variant is not present in population databases (gnomAD no frequency). This variant has not been reported in the literature in individuals affected with RECQL4-related conditions. Experimental studies and prediction algorithms are not available or were not evaluated, and the functional significance of this variant is currently unknown. Algorithms developed to predict the effect of sequence changes on RNA splicing suggest that this variant may create or strengthen a splice site. In summary, the available evidence is currently insufficient to determine the role of this variant in disease. Therefore, it has been classified as a Variant of Uncertain Significance.